The following is an entry in ClinVar:

ClinVar aggregate classification (germline): Uncertain significance (1 of 4 stars; one submission).

Conditions:
Familial thoracic aortic aneurysm and aortic dissection (TAAD). Also called: Thoracic aortic aneurysms and dissections. Identifiers: Orphanet 91387, MedGen C4707243, MONDO:0019625.

Submission:

Ambry Genetics
Classification: Uncertain significance for Familial thoracic aortic aneurysm and aortic dissection. Last evaluated: 2025-08-28. Review status: criteria provided, single submitter. Criteria: Ambry Variant Classification Scheme 2023. Collection method: clinical testing. Allele origin: germline.
Comment: The p.K1139M variant (also known as c.3416A>T), located in coding exon 25 of the MYH11 gene, results from an A to T substitution at nucleotide position 3416. The lysine at codon 1139 is replaced by methionine, an amino acid with similar properties. This amino acid position is conserved. In addition, this alteration is predicted to be deleterious by in silico analysis. Based on the available evidence, the clinical significance of this variant remains unclear.

NM_002474.3(MYH11):c.3416A>T (p.Lys1139Met)

Gene: MYH11 (myosin heavy chain 11; minus strand). Cytogenetic location: 16p13.11.
Variant type: single nucleotide variant.
Coding change: c.3416A>T on transcript NM_002474.3 (MANE Select); coding-DNA position 3416, A replaced by T.
Protein change: p.Lys1139Met; replaces lysine 1139 with methionine.
Molecular consequence: missense variant.
Genome position (GRCh38, 1-based): chr16:15,735,456, T>A on the plus strand (A>T on the coding strand, the complement: MYH11 is on the minus strand). VCF-style: chr16-15735456-T-A. GRCh37 (hg19) VCF-style: chr16-15829313-T-A.
Other names: c.3437A>T, p.Lys1146Met (NM_001040113.2, NM_001040114.2); c.3416A>T, p.Lys1139Met (NM_022844.3); short protein forms K1139M, K1146M.
Identifiers: ClinVar variation 4114596 (VCV004114596.1).